The following is an entry in ClinVar:

NM_000321.3(RB1):c.2575C>T (p.Leu859Phe)

Gene: RB1 (RB transcriptional corepressor 1; plus strand). Cytogenetic location: 13q14.2.
Variant type: single nucleotide variant.
Coding change: c.2575C>T on transcript NM_000321.3 (MANE Select); coding-DNA position 2575, C replaced by T.
Protein change: p.Leu859Phe; replaces leucine 859 with phenylalanine.
Molecular consequence: missense variant.
Genome position (GRCh38, 1-based): chr13:48,476,755, C>T. VCF-style: chr13-48476755-C-T. GRCh37 (hg19) VCF-style: chr13-49050891-C-T.
Other names: c.2575C>T, p.Leu859Phe (NM_001407165.1); c.25C>T, p.Leu9Phe (NM_001407168.1); short protein forms L9F, L859F.
Identifiers: ClinVar variation 1793299 (VCV001793299.2), dbSNP rs2542384372, ClinGen allele CA388157304.
Genomic context (GRCh38, chr13:48,476,755, plus strand): 5'-TTGTAGACTTCTGAGAAGTTCCAGAAAATAAATCAGATGGTATGTAACAGCGACCGTGTG[C>T]TCAAAAGAAGTGCTGAAGGAAGCAACCCTCCTAAACCACTGAAAAAACTACGCTTTGATA-3'
Protein context (NP_000312.2, residues 849-869): NQMVCNSDRV[Leu859Phe]KRSAEGSNPP

ClinVar aggregate classification (germline): Uncertain significance (1 of 4 stars; one submission).

Conditions:
Hereditary cancer-predisposing syndrome. Also called: Tumor predisposition; Hereditary Cancer Syndrome; Neoplastic Syndromes, Hereditary; Hereditary neoplastic syndrome. Identifiers: Orphanet 140162, MedGen C0027672, MeSH D009386, MONDO:0015356.

Submission:

Ambry Genetics
Classification: Uncertain significance for Hereditary cancer-predisposing syndrome. Last evaluated: 2022-08-25. Review status: criteria provided, single submitter. Criteria: Ambry Variant Classification Scheme 2023. Collection method: clinical testing. Allele origin: germline.
Comment: The p.L859F variant (also known as c.2575C>T), located in coding exon 25 of the RB1 gene, results from a C to T substitution at nucleotide position 2575. The leucine at codon 859 is replaced by phenylalanine, an amino acid with highly similar properties. This amino acid position is well conserved in available vertebrate species. In addition, this alteration is predicted to be tolerated by in silico analysis. Since supporting evidence is limited at this time, the clinical significance of this alteration remains unclear.